The following is an entry in ClinVar:

ClinVar aggregate classification (germline): Uncertain significance (1 of 4 stars; one submission).

Submission:

Labcorp Genetics (formerly Invitae), Labcorp
Classification: Uncertain significance. Last evaluated: 2021-01-20. Review status: criteria provided, single submitter. Criteria: Invitae Variant Classification Sherloc (09022015). Collection method: clinical testing. Allele origin: germline.
Comment: This sequence change replaces phenylalanine with leucine at codon 368 of the PDE6B protein (p.Phe368Leu). The phenylalanine residue is highly conserved and there is a small physicochemical difference between phenylalanine and leucine. This variant is not present in population databases (ExAC no frequency). This variant has not been reported in the literature in individuals with PDE6B-related conditions. Algorithms developed to predict the effect of missense changes on protein structure and function (SIFT, PolyPhen-2, Align-GVGD) all suggest that this variant is likely to be tolerated, but these predictions have not been confirmed by published functional studies and their clinical significance is uncertain. In summary, the available evidence is currently insufficient to determine the role of this variant in disease. Therefore, it has been classified as a Variant of Uncertain Significance.

NM_000283.4(PDE6B):c.1102T>C (p.Phe368Leu)

Gene: PDE6B (phosphodiesterase 6B; plus strand). Cytogenetic location: 4p16.3.
Variant type: single nucleotide variant.
Coding change: c.1102T>C on transcript NM_000283.4 (MANE Select); coding-DNA position 1102, T replaced by C.
Protein change: p.Phe368Leu; replaces phenylalanine 368 with leucine.
Molecular consequence: missense variant. On other transcripts: intron variant (1).
Genome position (GRCh38, 1-based): chr4:656,287, T>C. VCF-style: chr4-656287-T-C. GRCh37 (hg19) VCF-style: chr4-650076-T-C.
Other names: c.1102T>C, p.Phe368Leu (NM_001145291.2); c.265T>C, p.Phe89Leu (NM_001145292.2, NM_001350154.3, NM_001379246.1 and 1 more transcripts); c.-48-587T>C (NM_001350155.3); short protein forms F89L, F368L.
Identifiers: ClinVar variation 1475699 (VCV001475699.8), dbSNP rs2109210019, ClinGen allele CA355912936.